The following is an entry in ClinVar:

ClinVar aggregate classification (germline): Pathogenic (1 of 4 stars; one submission).

Conditions:
Thrombocytopenia 1. Also called: X-Linked Thrombocytopenia (XLT); THROMBOCYTOPENIA, X-LINKED, 1; X-linked thrombocytopenia with normal platelets. Identifiers: Orphanet 268322, Orphanet 852, MedGen C1839163, MONDO:0010743, OMIM 313900.
X-linked severe congenital neutropenia (SCNX). Identifiers: Orphanet 86788, MedGen C1845987, MONDO:0010294, OMIM 300299.
Wiskott-Aldrich syndrome (WAS). Also called: WISKOTT-ALDRICH SYNDROME 1; ALDRICH SYNDROME; IMMUNODEFICIENCY 2; Wiskott-aldrich syndrome, somatic. Identifiers: Orphanet 906, MedGen C0043194, MONDO:0010518, OMIM 301000.

Submission:

Labcorp Genetics (formerly Invitae), Labcorp
Classification: Pathogenic for Wiskott-Aldrich syndrome; X-linked severe congenital neutropenia; Thrombocytopenia 1. Last evaluated: 2023-06-17. Review status: criteria provided, single submitter. Criteria: Invitae Variant Classification Sherloc (09022015). Collection method: clinical testing. Allele origin: germline.
Comment: For these reasons, this variant has been classified as Pathogenic. This variant disrupts a region of the WAS protein in which other variant(s) (p.Leu425Profs*70) have been determined to be pathogenic (PMID: 8528198, 11442475, 12727931, 24210885). This suggests that this is a clinically significant region of the protein, and that variants that disrupt it are likely to be disease-causing. This premature translational stop signal has been observed in individual(s) with Wiskott-Aldrich syndrome (PMID: 21185603). This variant is not present in population databases (gnomAD no frequency). This sequence change creates a premature translational stop signal (p.Pro359Thrfs*136) in the WAS gene. While this is not anticipated to result in nonsense mediated decay, it is expected to disrupt the last 144 amino acid(s) of the WAS protein.

Literature cited by the submitters: PubMed 8528198; PubMed 11442475; PubMed 12727931; PubMed 24210885; PubMed 21185603.

NM_000377.3(WAS):c.1073dup (p.Pro359fs)

Gene: WAS (WASP actin nucleation promoting factor; plus strand). Cytogenetic location: Xp11.23.
Variant type: Duplication.
Coding change: c.1073dup on transcript NM_000377.3 (MANE Select); coding-DNA position 1073, one base duplicated (G; older notation c.1073dupG).
Protein change: p.Pro359fs; shifts the reading frame from proline 359.
Molecular consequence: frameshift variant.
Genome position (GRCh38, 1-based): chrX:48,688,801, G duplicated; the last of 4 consecutive G bases (chrX:48,688,798-48,688,801); duplicating any one gives the same sequence. VCF-style (leftmost placement, unchanged base first): chrX-48688797-C-CG. GRCh37 (hg19) VCF-style: chrX-48547186-C-CG.
Other names: short protein forms P359fs.
Identifiers: ClinVar variation 2925672 (VCV002925672.3), dbSNP rs2519286945, ClinGen allele CA2695233769.